The following is an entry in ClinVar:

ClinVar aggregate classification (germline): Uncertain significance (1 of 4 stars; one submission).

Conditions:
Inborn genetic diseases. Identifiers: MedGen C0950123, MeSH D030342.

Submission:

Ambry Genetics
Classification: Uncertain significance for Inborn genetic diseases. Last evaluated: 2026-03-11. Review status: criteria provided, single submitter. Criteria: Ambry Variant Classification Scheme 2023. Collection method: clinical testing. Allele origin: germline.
Comment: The p.E575G variant (also known as c.1724A>G), located in coding exon 1 of the SAMD9L gene, results from an A to G substitution at nucleotide position 1724. The glutamic acid at codon 575 is replaced by glycine, an amino acid with similar properties. This amino acid position is conserved. In addition, this alteration is predicted to be tolerated by in silico analysis. Based on the available evidence, the clinical significance of this variant remains unclear.

NM_152703.5(SAMD9L):c.1724A>G (p.Glu575Gly)

Gene: SAMD9L (sterile alpha motif domain containing 9 like; minus strand). Cytogenetic location: 7q21.2.
Variant type: single nucleotide variant.
Coding change: c.1724A>G on transcript NM_152703.5 (MANE Select); coding-DNA position 1724, A replaced by G.
Protein change: p.Glu575Gly; replaces glutamic acid 575 with glycine.
Molecular consequence: missense variant.
Genome position (GRCh38, 1-based): chr7:93,134,248, T>C on the plus strand (A>G on the coding strand, the complement: SAMD9L is on the minus strand). VCF-style: chr7-93134248-T-C. GRCh37 (hg19) VCF-style: chr7-92763561-T-C.
Other names: c.1724A>G, p.Glu575Gly (NM_001350085.2, NM_001303496.3, NM_001303497.3 and 5 more transcripts); short protein forms E575G.
Identifiers: ClinVar variation 4826193 (VCV004826193.1).
Genomic context (GRCh38, chr7:93,134,248, plus strand): 5'-TGTAGTAGATCTTTCCATCGTTGATAAATATGTGAGTTTACAGAGATACACAACATATTT[T>C]CCATTCCTTTGAGAGCTTGATAGAAAGCCCAGAAAGTTTCAATGAGTGGATCTCCTGGGC-3'
Protein context (NP_689916.2, residues 565-585): WAFYQALKGM[Glu575Gly]NMLCISVNSH